The following is an entry in ClinVar:

NM_001184880.2(PCDH19):c.369C>A (p.Asn123Lys)

Gene: PCDH19 (protocadherin 19; minus strand). Cytogenetic location: Xq22.1.
Variant type: single nucleotide variant.
Coding change: c.369C>A on transcript NM_001184880.2 (MANE Select); coding-DNA position 369, C replaced by A.
Protein change: p.Asn123Lys; replaces asparagine 123 with lysine.
Molecular consequence: missense variant.
Genome position (GRCh38, 1-based): chrX:100,408,229, G>T on the plus strand (C>A on the coding strand, the complement: PCDH19 is on the minus strand). VCF-style: chrX-100408229-G-T. GRCh37 (hg19) VCF-style: chrX-99663227-G-T.
Other names: p.N123K:AAC>AAA; c.369C>A, p.Asn123Lys (NM_001105243.2, NM_020766.3); short protein forms N123K.
Identifiers: ClinVar variation 206310 (VCV000206310.5), dbSNP rs796052796, ClinGen allele CA316287.
Genomic context (GRCh38, chrX:100,408,229, plus strand): 5'-GCTGGCTGCCTCCGAGATCTCCAGCTCGATCTGTGCTGCCGGGAAACTGGGCGCATTGTC[G>T]TTCAGGTCCTTGATCTCCACCTTTATCACGCAGATTTCCATTGAGCTGGACATGACCTCG-3'
Protein context (NP_001171809.1, residues 113-133): CVIKVEIKDL[Asn123Lys]DNAPSFPAAQ

ClinVar aggregate classification (germline): Pathogenic/Likely pathogenic. Review status: criteria provided, multiple submitters, no conflicts (2 of 4 stars). 2 submissions from 2 submitters: Pathogenic (1); Likely pathogenic (1). Last evaluated 2023-10-29.

Conditions:
Developmental and epileptic encephalopathy, 9 (DEE9). Also called: EPILEPSY, FEMALE-RESTRICTED, WITH MENTAL RETARDATION; Early infantile epileptic encephalopathy 9; JUBERG-HELLMAN SYNDROME; PCDH19-Related X-Linked Female-Limited Epilepsy with Mental Retardation. Identifiers: Orphanet 101039, Orphanet 2076, MedGen C1848137, MONDO:0010246, OMIM 300088. Disease mechanism: loss of function.

Submissions (2):

Labcorp Genetics (formerly Invitae), Labcorp
Classification: Pathogenic for Developmental and epileptic encephalopathy, 9. Last evaluated: 2023-10-29. Review status: criteria provided, single submitter. Criteria: Invitae Variant Classification Sherloc (09022015). Collection method: clinical testing. Allele origin: germline.
Comment: This sequence change replaces asparagine, which is neutral and polar, with lysine, which is basic and polar, at codon 123 of the PCDH19 protein (p.Asn123Lys). This variant is not present in population databases (gnomAD no frequency). This missense change has been observed in individual(s) with clinical features of developmental and epileptic encephalopathy (PMID: 29655203, 35571021; Invitae). In at least one individual the variant was observed to be de novo. ClinVar contains an entry for this variant (Variation ID: 206310). Advanced modeling of protein sequence and biophysical properties (such as structural, functional, and spatial information, amino acid conservation, physicochemical variation, residue mobility, and thermodynamic stability) performed at Invitae indicates that this missense variant is expected to disrupt PCDH19 protein function with a positive predictive value of 95%. For these reasons, this variant has been classified as Pathogenic.

GeneDx
Classification: Likely pathogenic. Last evaluated: 2014-03-20. Review status: criteria provided, single submitter. Criteria: GeneDx Variant Classification (06012015). Collection method: clinical testing. Allele origin: germline. Affected: yes.
Comment: This variant is denoted p.Asn123Lys (AAC>AAA): c.369 C>A in exon 1 of the PCDH19 gene (NM_001105243.1). The N123K variant has not been published as a mutation, nor has it been reported as a benign polymorphism to our knowledge. It was not observed in approximately 6,400 individuals of European and African American ancestry in the NHLBI Exome Sequencing Project, indicating it is not a common benign variant in these populations. The N123K variant is a semi-conservative amino acid substitution, which may impact secondary protein structure as these residues differ in some properties. This substitution occurs at a position that is highly conserved across species, and another nearby missense mutation (D121N) has been reported in association with epileptic encephalopathy, supporting the functional importance of this region of the protein. In silico analysis predicts this variant is probably damaging to the protein structure/function. Therefore, this variant is a strong candidate for a pathogenic mutation, however the possibility that it is a benign variant cannot be excluded. The variant is found in INFANT-EPI panel(s).

Literature cited by the submitters: PubMed 29655203 (cited by Labcorp Genetics (formerly Invitae), Labcorp); PubMed 35571021 (cited by Labcorp Genetics (formerly Invitae), Labcorp).